The following is an entry in ClinVar:

NM_002691.4(POLD1):c.1686+11G>A

Gene: POLD1 (DNA polymerase delta 1, catalytic subunit; plus strand). Cytogenetic location: 19q13.33.
Variant type: single nucleotide variant.
Coding change: c.1686+11G>A on transcript NM_002691.4 (MANE Select); 11 bases into the intron after coding-DNA position 1686, G replaced by A.
Molecular consequence: intron variant.
Genome position (GRCh38, 1-based): chr19:50,407,185, G>A. VCF-style: chr19-50407185-G-A. GRCh37 (hg19) VCF-style: chr19-50910442-G-A.
Other names: c.1686+11G>A (NM_001308632.1, NM_001256849.1, LRG_785t1 and 1 more transcripts).
Identifiers: ClinVar variation 371999 (VCV000371999.13), dbSNP rs534413213, ClinGen allele CA9596205.
Genomic context (GRCh38, chr19:50,407,185, plus strand): 5'-TGCTCAGTCGTGGCCAGCAGGTCAAGGTCGTATCCCAGCTGTTGCGGCAGGTCAGTAGCC[G>A]AGACTTGTCCTCGCCACCCCCCACCAGGCACGTCTGTGGCCCCCTCCAGGCAATGGCATC-3'

ClinVar aggregate classification (germline): Likely benign. Review status: criteria provided, multiple submitters, no conflicts (2 of 4 stars). 5 submissions from 5 submitters: Likely benign (4). 1 of the submissions does not count toward it. Last evaluated 2026-04-15.

Conditions:
POLD1-related polyposis and colorectal cancer syndrome (CRCS10). Also called: Colorectal cancer, susceptibility to, 10; Colorectal cancer 10; COLORECTAL CANCER, SUSCEPTIBILITY TO, ON CHROMOSOME 19q. Identifiers: Orphanet 220460, MedGen C2675481, MONDO:0012953, OMIM 612591.

Allele frequency attached by ClinVar (database versions not stated): gnomAD 0.00001; gnomAD exomes 0.00001; ExAC 0.00002; TOPMed 0.00002; 1000 Genomes Project 0.00020; 1000 Genomes Project 30x 0.00031.
gnomAD v4.1: 10 of 1,593,078 alleles (0.00063%); highest among the groups gnomAD compares: Admixed American, 0.0017%; no homozygotes.

Submissions (5):

Women's Health and Genetics/Laboratory Corporation of America, LabCorp
Classification: Likely benign. Last evaluated: 2026-04-15. Review status: criteria provided, single submitter. Criteria: LabCorp Variant Classification Summary - May 2015. Collection method: clinical testing. Allele origin: germline.

Labcorp Genetics (formerly Invitae), Labcorp
Classification: Likely benign for POLD1-related polyposis and colorectal cancer syndrome. Last evaluated: 2025-08-31. Review status: criteria provided, single submitter. Criteria: Invitae Variant Classification Sherloc (09022015). Collection method: clinical testing. Allele origin: germline.

Blueprint Genetics
Classification: Likely benign. Last evaluated: 2023-08-02. Review status: criteria provided, single submitter. Criteria: ACMG Guidelines, 2015. Collection method: clinical testing. Allele origin: germline.

GeneDx
Classification: Likely benign. Last evaluated: 2016-07-08. Review status: criteria provided, single submitter. Criteria: GeneDx Variant Classification (06012015). Collection method: clinical testing. Allele origin: germline. Affected: yes.
Comment: This variant is considered likely benign or benign based on one or more of the following criteria: it is a conservative change, it occurs at a poorly conserved position in the protein, it is predicted to be benign by multiple in silico algorithms, and/or has population frequency not consistent with disease.

Counsyl
Classification: Likely benign for POLD1-related polyposis and colorectal cancer syndrome. Last evaluated: 2016-10-04. Review status: no assertion criteria provided. Collection method: clinical testing. Allele origin: unknown. Not counted in ClinVar's aggregate classification.